The following is an entry in ClinVar:

ClinVar aggregate classification (germline): Likely pathogenic (1 of 4 stars; one submission).

Conditions:
Cardiovascular phenotype. Identifiers: MedGen CN230736.

Submission:

Ambry Genetics
Classification: Likely pathogenic for Cardiovascular phenotype. Last evaluated: 2021-12-27. Review status: criteria provided, single submitter. Criteria: Ambry Variant Classification Scheme 2023. Collection method: clinical testing. Allele origin: germline.
Comment: The c.67103delA variant, located in coding exon 167 of the TTN gene, results from a deletion of one nucleotide at nucleotide position 67103, causing a translational frameshift with a predicted alternate stop codon (p.Y22368Sfs*24). This exon is located in the A-band region of the N2-B isoform of the titin protein and is constitutively expressed in TTN transcripts (percent spliced in or PSI 100%). This variant is considered to be rare based on population cohorts in the Genome Aggregation Database (gnomAD). This alteration is expected to result in loss of function by premature protein truncation or nonsense-mediated mRNA decay. While truncating variants in TTN are present in 1-3% of the general population, truncating variants in the A-band are the most common cause of dilated cardiomyopathy (DCM) (Herman DS et al. N. Engl. J. Med., 2012 Feb;366:619-28; Roberts AM et al. Sci Transl Med, 2015 Jan;7:270ra6). TTN truncating variants encoded in constitutive exons (PSI >90%) have been found to be significantly associated with DCM regardless of their position in titin (Schafer S et al. Nat. Genet., 2017 01;49:46-53). As such, this alteration is classified as likely pathogenic.

NM_001267550.2(TTN):c.94298del (p.Tyr31433fs)

Genes: TTN (titin; minus strand), TTN-AS1 (TTN antisense RNA 1; plus strand). Cytogenetic location: 2q31.2.
Variant type: Deletion.
Coding change: c.94298del on transcript NM_001267550.2 (MANE Select); coding-DNA position 94298, one base deleted (A; older notation c.94298delA).
Protein change: p.Tyr31433fs; shifts the reading frame from tyrosine 31433.
Molecular consequence: frameshift variant.
Genome position (GRCh38, 1-based): chr2:178,547,227, T deleted on the plus strand (A on the coding strand, the reverse complement: TTN is on the minus strand). VCF-style (leftmost placement, unchanged base first): chr2-178547226-GT-G. GRCh37 (hg19) VCF-style: chr2-179411953-GT-G.
Other names: c.89375del, p.Tyr29792fs (NM_001256850.1); c.67103del, p.Tyr22368fs (NM_003319.4); c.86594del, p.Tyr28865fs (NM_133378.4); c.67478del, p.Tyr22493fs (NM_133432.3); c.67679del, p.Tyr22560fs (NM_133437.4); c.67103delA (NM_003319.4); short protein forms Y22560fs, Y28865fs, Y22368fs, Y22493fs, Y29792fs, Y31433fs.
Identifiers: ClinVar variation 1755050 (VCV001755050.2), dbSNP rs2469083896, ClinGen allele CA2580064568.